The following is an entry in ClinVar:

NM_018026.4(PACS1):c.1525A>G (p.Arg509Gly)

Gene: PACS1 (phosphofurin acidic cluster sorting protein 1; plus strand). Cytogenetic location: 11q13.2.
Variant type: single nucleotide variant.
Coding change: c.1525A>G on transcript NM_018026.4 (MANE Select); coding-DNA position 1525, A replaced by G.
Protein change: p.Arg509Gly; replaces arginine 509 with glycine.
Molecular consequence: missense variant.
Genome position (GRCh38, 1-based): chr11:66,230,839, A>G. VCF-style: chr11-66230839-A-G. GRCh37 (hg19) VCF-style: chr11-65998310-A-G.
Other names: short protein forms R509G.
Identifiers: ClinVar variation 4976526 (VCV004976526.1).
Genomic context (GRCh38, chr11:66,230,839, plus strand): 5'-CCAGCCTTTTTCCACCTCCCTGGCAGCAAAGTGGAGGGGGTGCACACACCCCGGCAGAAG[A>G]GGAGCACGCCCCTGAAGGAGCGGCAGCTCTCCAAGCCCCTAAGTGAGAGGACCAACAGTT-3'
Protein context (NP_060496.2, residues 499-519): VEGVHTPRQK[Arg509Gly]STPLKERQLS

ClinVar aggregate classification (germline): Uncertain significance (1 of 4 stars; one submission).

Submission:

GeneDx
Classification: Uncertain significance. Last evaluated: 2026-02-09. Review status: criteria provided, single submitter. Criteria: GeneDx Variant Classification Process June 2021. Collection method: clinical testing. Allele origin: germline.
Comment: Not observed at significant frequency in large population cohorts (gnomAD); In silico analysis supports that this missense variant has a deleterious effect on protein structure/function; Has not been previously published as pathogenic or benign to our knowledge